The following is an entry in ClinVar:

ClinVar aggregate classification (germline): Uncertain significance (1 of 4 stars; one submission).

Submission:

GeneDx
Classification: Uncertain significance. Last evaluated: 2019-07-05. Review status: criteria provided, single submitter. Criteria: GeneDx Variant Classification Process June 2021. Collection method: clinical testing. Allele origin: germline. Affected: yes.
Comment: Not observed in large population cohorts (Lek et al., 2016); In silico analysis, which includes protein predictors and evolutionary conservation, supports a deleterious effect; Has not been previously published as pathogenic or benign to our knowledge

NM_001365536.1(SCN9A):c.1801A>C (p.Asn601His)

Genes: SCN1A-AS1 (SCN1A and SCN9A antisense RNA 1; plus strand), SCN9A (sodium voltage-gated channel alpha subunit 9; minus strand). Cytogenetic location: 2q24.3.
Variant type: single nucleotide variant.
Coding change: c.1801A>C on transcript NM_001365536.1 (MANE Select); coding-DNA position 1801, A replaced by C.
Protein change: p.Asn601His; replaces asparagine 601 with histidine.
Molecular consequence: missense variant.
Genome position (GRCh38, 1-based): chr2:166,284,626, T>G on the plus strand (A>C on the coding strand, the complement: SCN9A is on the minus strand). VCF-style: chr2-166284626-T-G. GRCh37 (hg19) VCF-style: chr2-167141136-T-G.
Other names: c.1801A>C, p.Asn601His (NM_002977.4); short protein forms N601H.
Identifiers: ClinVar variation 1303735 (VCV001303735.2), dbSNP rs2106483219, ClinGen allele CA349083178.